The following is an entry in ClinVar:

ClinVar aggregate classification (germline): Uncertain significance. Review status: criteria provided, multiple submitters, no conflicts (2 of 4 stars). 2 submissions from 2 submitters: Uncertain significance (2). Last evaluated 2024-06-17.

Conditions:
Cardiovascular phenotype. Identifiers: MedGen CN230736.
Catecholaminergic polymorphic ventricular tachycardia 1. Also called: RYR2-Related Catecholaminergic Polymorphic Ventricular Tachycardia; VENTRICULAR TACHYCARDIA, CATECHOLAMINERGIC POLYMORPHIC, 1, WITH OR WITHOUT ATRIAL DYSFUNCTION AND/OR DILATED CARDIOMYOPATHY; VENTRICULAR TACHYCARDIA, STRESS-INDUCED POLYMORPHIC 1. Identifiers: Orphanet 3286, MedGen C1631597, MONDO:0011484, OMIM 604772.

Allele frequency attached by ClinVar (database versions not stated): gnomAD 0.00001; gnomAD exomes 0.00001.
gnomAD v4.1: 23 of 1,449,842 alleles (0.0016%); highest among the groups gnomAD compares: Non-Finnish European, 0.0019%; no homozygotes.

Submissions (2):

Ambry Genetics
Classification: Uncertain significance for Cardiovascular phenotype. Last evaluated: 2024-06-17. Review status: criteria provided, single submitter. Criteria: Ambry Variant Classification Scheme 2023. Collection method: clinical testing. Allele origin: germline.
Comment: The p.K465N variant (also known as c.1395G>C), located in coding exon 22 of the TRDN gene, results from a G to C substitution at nucleotide position 1395. The lysine at codon 465 is replaced by asparagine, an amino acid with similar properties. This amino acid position is conserved. In addition, this alteration is predicted to be tolerated by in silico analysis. Based on the available evidence, the clinical significance of this variant remains unclear.

Labcorp Genetics (formerly Invitae), Labcorp
Classification: Uncertain significance for Catecholaminergic polymorphic ventricular tachycardia 1. Last evaluated: 2021-09-10. Review status: criteria provided, single submitter. Criteria: Invitae Variant Classification Sherloc (09022015). Collection method: clinical testing. Allele origin: germline.
Comment: This sequence change replaces lysine with asparagine at codon 465 of the TRDN protein (p.Lys465Asn). The lysine residue is moderately conserved and there is a moderate physicochemical difference between lysine and asparagine. This variant is not present in population databases (ExAC no frequency). This variant has not been reported in the literature in individuals affected with TRDN-related conditions. Algorithms developed to predict the effect of missense changes on protein structure and function are either unavailable or do not agree on the potential impact of this missense change (SIFT: "Deleterious"; PolyPhen-2: "Probably Damaging"; Align-GVGD: "Class C0"). In summary, the available evidence is currently insufficient to determine the role of this variant in disease. Therefore, it has been classified as a Variant of Uncertain Significance.

NM_006073.4(TRDN):c.1395G>C (p.Lys465Asn)

Gene: TRDN (triadin; minus strand). Cytogenetic location: 6q22.31.
Variant type: single nucleotide variant.
Coding change: c.1395G>C on transcript NM_006073.4 (MANE Select); coding-DNA position 1395, G replaced by C.
Protein change: p.Lys465Asn; replaces lysine 465 with asparagine.
Molecular consequence: missense variant.
Genome position (GRCh38, 1-based): chr6:123,337,644, C>G on the plus strand (G>C on the coding strand, the complement: TRDN is on the minus strand). VCF-style: chr6-123337644-C-G. GRCh37 (hg19) VCF-style: chr6-123658789-C-G.
Other names: c.1395G>C (NM_006073.2); short protein forms K465N.
Identifiers: ClinVar variation 1026766 (VCV001026766.8), dbSNP rs1323480717, ClinGen allele CA365564849.